The following is an entry in ClinVar:

NM_001010892.3(RSPH4A):c.1917-3_1917del

Gene: RSPH4A (radial spoke head component 4A; plus strand). Cytogenetic location: 6q22.1.
Variant type: Deletion.
Coding change: c.1917-3_1917del on transcript NM_001010892.3 (MANE Select); 3 bases into the intron before coding-DNA position 1917 through coding-DNA position 1917, 4 bases deleted (TAGA; older notation c.1917-3_1917delTAGA).
Molecular consequence: splice acceptor variant.
Genome position (GRCh38, 1-based): chr6:116,632,204-116,632,207, TAGA deleted; deleting any 4 consecutive bases within chr6:116,632,203-116,632,207 gives the same sequence; the c. name uses the placement nearest the transcript's 3' end. VCF-style (leftmost placement, unchanged base first): chr6-116632202-TATAG-T. GRCh37 (hg19) VCF-style: chr6-116953365-TATAG-T.
Other names: c.1781-3_1781del (NM_001161664.2).
Identifiers: ClinVar variation 4743099 (VCV004743099.1).

ClinVar aggregate classification (germline): Pathogenic (1 of 4 stars; one submission).

Conditions:
Primary ciliary dyskinesia. Also called: Ciliary dyskinesia. Identifiers: Orphanet 244, MedGen C0008780, MONDO:0016575, HP:0012265.

Submission:

Labcorp Genetics (formerly Invitae), Labcorp
Classification: Pathogenic for Primary ciliary dyskinesia. Last evaluated: 2025-07-23. Review status: criteria provided, single submitter. Criteria: Invitae Variant Classification Sherloc (09022015). Collection method: clinical testing. Allele origin: germline.
Comment: This variant results in the deletion of part of exon 6 of the RSPH4A gene. While this variant is not anticipated to result in nonsense mediated decay, it likely alters RNA splicing and results in a disrupted protein product. This variant is not present in population databases (gnomAD no frequency). This variant has not been reported in the literature in individuals affected with RSPH4A-related conditions. Variants that disrupt the consensus splice site are a relatively common cause of aberrant splicing (PMID: 17576681, 9536098). Algorithms developed to predict the effect of sequence changes on RNA splicing suggest that this variant may disrupt the consensus splice site. This variant disrupts a region of the RSPH4A protein in which other variant(s) (p.Ser671Glnfs*10) have been determined to be pathogenic (internal data). This suggests that this is a clinically significant region of the protein, and that variants that disrupt it are likely to be disease-causing. For these reasons, this variant has been classified as Pathogenic.

Literature cited by the submitters: PubMed 17576681; PubMed 9536098.